The following is an entry in ClinVar:

NM_002693.3(POLG):c.128_137del (p.Gln43fs)

Genes: POLG (DNA polymerase gamma, catalytic subunit; minus strand), POLGARF (POLG alternative reading frame; minus strand). Cytogenetic location: 15q26.1.
Variant type: Deletion.
Coding change: c.128_137del on transcript NM_002693.3 (MANE Select); coding-DNA positions 128 to 137, 10 bases deleted (AGCAGCAGCA; older notation c.128_137delAGCAGCAGCA).
Protein change: p.Gln43fs; shifts the reading frame from glutamine 43.
Molecular consequence: frameshift variant.
Genome position (GRCh38, 1-based): chr15:89,333,618-89,333,627, TGCTGCTGCT deleted on the plus strand (AGCAGCAGCA on the coding strand, the reverse complement: POLG is on the minus strand). VCF-style (leftmost placement, unchanged base first): chr15-89333617-CTGCTGCTGCT-C. GRCh37 (hg19) VCF-style: chr15-89876848-CTGCTGCTGCT-C.
Other names: c.183_192del, p.Ala62fs (NM_001430120.1); c.128_137del, p.Gln43fs (NM_001126131.2); short protein forms A62fs, Q43fs.
Identifiers: ClinVar variation 5013998 (VCV005013998.1).
Genomic context (GRCh38, chr15:89,333,617, plus strand): 5'-GCCCTCCGAGGATAGCACTTGCGGCTGCTGAGGCTGCTGTTGCTGCTGCTGCTGCTGCTG[CTGCTGCTGCT>C]GCCGCCGCCGCTGCCCGTCGCTGGGGTCGGACGCGGGGACGGAGCTGGAGACCCAGCGCC-3'

ClinVar aggregate classification (germline): Pathogenic (1 of 4 stars; one submission).

Conditions:
POLG-related disorder. Also called: POLG-Related Spectrum Disorders; POLG-related condition; POLG-Related Disorders. Identifiers: MedGen C4763519.

Submission:

Myriad Genetics, Inc.
Classification: Pathogenic for POLG-related disorder. Last evaluated: 2025-01-22. Review status: criteria provided, single submitter. Criteria: Myriad Autosomal Dominant, Autosomal Recessive and X-Linked Classification Criteria (2023). Collection method: clinical testing. Allele origin: unknown.
Comment: NM_002693.2(POLG):c.128_137del10(Q43Rfs*220) is expected to be pathogenic in the context of POLG-related disorders. This variant is predicted to lead to an abnormal or absent protein product due to the creation of a premature termination codon in POLG, a gene where loss-of-function variants are known to be pathogenic. Please note: this variant was assessed in the context of healthy population screening.